The following is an entry in ClinVar:

ClinVar aggregate classification (germline): Uncertain significance (1 of 4 stars; one submission).

Allele frequency attached by ClinVar (database versions not stated): gnomAD exomes below 0.00001; TOPMed below 0.00001.
gnomAD v4.1: 1 of 1,614,208 alleles (0.000062%); highest among the groups gnomAD compares: Non-Finnish European, 0.000085%; no homozygotes.

Submission:

Labcorp Genetics (formerly Invitae), Labcorp
Classification: Uncertain significance. Last evaluated: 2025-01-27. Review status: criteria provided, single submitter. Criteria: Invitae Variant Classification Sherloc (09022015). Collection method: clinical testing. Allele origin: germline.
Comment: This sequence change replaces isoleucine, which is neutral and non-polar, with valine, which is neutral and non-polar, at codon 233 of the AIMP2 protein (p.Ile233Val). This variant is not present in population databases (gnomAD no frequency). This variant has not been reported in the literature in individuals affected with AIMP2-related conditions. ClinVar contains an entry for this variant (Variation ID: 1395178). An algorithm developed to predict the effect of missense changes on protein structure and function (PolyPhen-2) suggests that this variant is likely to be tolerated. In summary, the available evidence is currently insufficient to determine the role of this variant in disease. Therefore, it has been classified as a Variant of Uncertain Significance.

NM_006303.4(AIMP2):c.697A>G (p.Ile233Val)

Genes: AIMP2 (aminoacyl tRNA synthetase complex interacting multifunctional protein 2; plus strand), EIF2AK1 (eukaryotic translation initiation factor 2 alpha kinase 1; minus strand). Cytogenetic location: 7p22.1.
Variant type: single nucleotide variant.
Coding change: c.697A>G on transcript NM_006303.4 (MANE Select); coding-DNA position 697, A replaced by G.
Protein change: p.Ile233Val; replaces isoleucine 233 with valine.
Molecular consequence: missense variant. On other transcripts: 3 prime UTR variant (2).
Genome position (GRCh38, 1-based): chr7:6,023,425, A>G. VCF-style: chr7-6023425-A-G. GRCh37 (hg19) VCF-style: chr7-6063056-A-G.
Other names: c.*1248T>C (NM_001134335.2, NM_014413.4); c.577A>G, p.Ile193Val (NM_001326606.2); c.490A>G, p.Ile164Val (NM_001326607.2); c.463A>G, p.Ile155Val (NM_001326609.2, NM_001326610.2, NM_001326611.3); c.610A>G, p.Ile204Val (NM_001362785.2); c.565A>G, p.Ile189Val (NM_001362787.2); short protein forms I155V, I193V, I204V, I164V, I233V, I189V.
Identifiers: ClinVar variation 1395178 (VCV001395178.8), dbSNP rs1787596232, ClinGen allele CA366747871.
Genomic context (GRCh38, chr7:6,023,425, plus strand): 5'-ATTGCACGTTTCTTGTTCTCTCTGTTTGGCCAGAAGCATAATGCTGTCAACGCAACCCTT[A>G]TAGATAGCTGGGTAGATATTGCGATTTTTCAGTTAAAAGAGGGAAGCAGTAAAGAAAAAG-3'
Protein context (NP_006294.2, residues 223-243): QKHNAVNATL[Ile233Val]DSWVDIAIFQ